The following is an entry in ClinVar:

NM_006312.6(NCOR2):c.4389G>A (p.Ala1463=)

Gene: NCOR2 (nuclear receptor corepressor 2; minus strand). Cytogenetic location: 12q24.31.
Variant type: single nucleotide variant.
Coding change: c.4389G>A on transcript NM_006312.6 (MANE Select); coding-DNA position 4389, G replaced by A.
Protein change: p.Ala1463=; no amino-acid change (alanine 1463 retained).
Molecular consequence: synonymous variant.
Genome position (GRCh38, 1-based): chr12:124,344,922, C>T on the plus strand (G>A on the coding strand, the complement: NCOR2 is on the minus strand). VCF-style: chr12-124344922-C-T. GRCh37 (hg19) VCF-style: chr12-124829468-C-T.
Other names: c.4359G>A, p.Ala1453= (NM_001077261.4, NM_001206654.2).
Identifiers: ClinVar variation 3043001 (VCV003043001.2), dbSNP rs191598312, ClinGen allele CA6868261.

ClinVar aggregate classification (germline): Likely benign (0 of 4 stars; one submission).

Conditions:
NCOR2-related disorder. Also called: NCOR2-related condition.

Allele frequency attached by ClinVar (database versions not stated): ESP Exome Variant Server 0.00055; 1000 Genomes Project 0.00060; 1000 Genomes Project 30x 0.00062; gnomAD exomes 0.00063; gnomAD 0.00074; TOPMed 0.00105; ExAC 0.00164.
gnomAD v4.1: 1,071 of 1,565,816 alleles (0.068%); highest among the groups gnomAD compares: Middle Eastern, 1.1%; 1 homozygote.

Submission:

PreventionGenetics, part of Exact Sciences
Classification: Likely benign for NCOR2-related condition. Last evaluated: 2019-05-06. Review status: no assertion criteria provided. Collection method: clinical testing. Allele origin: germline.
Comment: This variant is classified as likely benign based on ACMG/AMP sequence variant interpretation guidelines (Richards et al. 2015 PMID: 25741868, with internal and published modifications).